The following is an entry in ClinVar:

ClinVar aggregate classification (germline): Uncertain significance. Review status: criteria provided, multiple submitters, no conflicts (2 of 4 stars). 3 submissions from 3 submitters: Uncertain significance (2). 1 of the submissions does not count toward it. Last evaluated 2025-06-17.

Conditions:
Optic atrophy. Identifiers: MedGen C0029124, MONDO:0003608, HP:0000648.
Saldino-Mainzer syndrome (SRTD9). Also called: CONORENAL SYNDROME; short-rib thoracic dysplasia 9 with or without polydactyly; Renal dysplasia, retinal pigmentary dystrophy, cerebellar ataxia and skeletal dysplasia; SHORT-RIB THORACIC DYSPLASIA 9 WITHOUT POLYDACTYLY. Identifiers: Orphanet 140969, MedGen C1849437, MONDO:0009964, OMIM 266920.

Allele frequency attached by ClinVar (database versions not stated): gnomAD exomes below 0.00001 and 0.00001; ExAC 0.00001.
gnomAD v4.1: 5 of 1,613,046 alleles (0.00031%); highest among the groups gnomAD compares: South Asian, 0.0033%; no homozygotes.

Submissions (3):

Labcorp Genetics (formerly Invitae), Labcorp
Classification: Uncertain significance for Saldino-Mainzer syndrome. Last evaluated: 2025-06-17. Review status: criteria provided, single submitter. Criteria: Invitae Variant Classification Sherloc (09022015). Collection method: clinical testing. Allele origin: germline.
Comment: This sequence change replaces alanine, which is neutral and non-polar, with threonine, which is neutral and polar, at codon 591 of the IFT140 protein (p.Ala591Thr). This variant is present in population databases (rs751413638, gnomAD 0.003%). This variant has not been reported in the literature in individuals affected with IFT140-related conditions. ClinVar contains an entry for this variant (Variation ID: 1470625). An algorithm developed to predict the effect of missense changes on protein structure and function outputs the following: PolyPhen-2: "Benign". The threonine amino acid residue is found in multiple mammalian species, which suggests that this missense change does not adversely affect protein function. In summary, the available evidence is currently insufficient to determine the role of this variant in disease. Therefore, it has been classified as a Variant of Uncertain Significance.

CeGaT Center for Human Genetics Tuebingen
Classification: Uncertain significance. Last evaluated: 2024-01-01. Review status: criteria provided, single submitter. Criteria: CeGaT Center For Human Genetics Tuebingen Variant Classification Criteria Version 2. Collection method: clinical testing. Allele origin: germline. Affected: yes. Observed: 1 variant allele.
Comment: IFT140: PM2, BP4

Institute of Human Genetics, Univ. Regensburg, Univ. Regensburg
Classification: Uncertain significance for Optic atrophy. Last evaluated: 2022-01-01. Review status: no assertion criteria provided. Criteria: ACMG Guidelines, 2015. Collection method: clinical testing. Allele origin: germline. Affected: yes. Not counted in ClinVar's aggregate classification.

NM_014714.4(IFT140):c.1771G>A (p.Ala591Thr)

Gene: IFT140 (intraflagellar transport 140; minus strand). Cytogenetic location: 16p13.3.
Variant type: single nucleotide variant.
Coding change: c.1771G>A on transcript NM_014714.4 (MANE Select); coding-DNA position 1771, G replaced by A.
Protein change: p.Ala591Thr; replaces alanine 591 with threonine.
Molecular consequence: missense variant.
Genome position (GRCh38, 1-based): chr16:1,566,291, C>T on the plus strand (G>A on the coding strand, the complement: IFT140 is on the minus strand). VCF-style: chr16-1566291-C-T. GRCh37 (hg19) VCF-style: chr16-1616292-C-T.
Other names: short protein forms A591T.
Identifiers: ClinVar variation 1470625 (VCV001470625.29), dbSNP rs751413638, ClinGen allele CA7814139.
Genomic context (GRCh38, chr16:1,566,291, plus strand): 5'-CGGTCACTGTGTCCATTTCAACATCGTAGAAGCAGATTTTGGAATCAGGGCTGTTGTCAG[C>T]CTAGGAGAAGAGAAAACCAGAAAGCTCACGGAGCCTGCCCAGACCAGCGGGTTGGTGGGC-3'
Protein context (NP_055529.2, residues 581-601): GSTISILPSK[Ala591Thr]DNSPDSKICF